The following is an entry in ClinVar:

NM_000458.4(HNF1B):c.1339+6T>C

Gene: HNF1B (HNF1 homeobox B; minus strand). Cytogenetic location: 17q12.
Variant type: single nucleotide variant.
Coding change: c.1339+6T>C on transcript NM_000458.4 (MANE Select); 6 bases into the intron after coding-DNA position 1339, T replaced by C.
Molecular consequence: intron variant.
Genome position (GRCh38, 1-based): chr17:37,704,911, A>G on the plus strand (T>C on the coding strand, the complement: HNF1B is on the minus strand). VCF-style: chr17-37704911-A-G. GRCh37 (hg19) VCF-style: chr17-36064918-A-G.
Other names: c.1261+6T>C (NM_001304286.2, NM_001165923.4); c.1339+6T>C (NM_001411100.1).
Identifiers: ClinVar variation 2914645 (VCV002914645.3), dbSNP rs535041745, ClinGen allele CA8518842.

ClinVar aggregate classification (germline): Uncertain significance (1 of 4 stars; one submission).

Allele frequency attached by ClinVar (database versions not stated): ExAC 0.00001; gnomAD 0.00001; TOPMed 0.00001; 1000 Genomes Project 0.00020; 1000 Genomes Project 30x 0.00031.
gnomAD v4.1: 18 of 1,614,082 alleles (0.0011%); highest among the groups gnomAD compares: Admixed American, 0.0017%; no homozygotes.

Submission:

Labcorp Genetics (formerly Invitae), Labcorp
Classification: Uncertain significance. Last evaluated: 2024-07-19. Review status: criteria provided, single submitter. Criteria: Invitae Variant Classification Sherloc (09022015). Collection method: clinical testing. Allele origin: germline.
Comment: This sequence change falls in intron 6 of the HNF1B gene. It does not directly change the encoded amino acid sequence of the HNF1B protein. It affects a nucleotide within the consensus splice site. This variant is present in population databases (rs535041745, gnomAD 0.003%). This variant has not been reported in the literature in individuals affected with HNF1B-related conditions. Variants that disrupt the consensus splice site are a relatively common cause of aberrant splicing (PMID: 17576681, 9536098). Algorithms developed to predict the effect of sequence changes on RNA splicing suggest that this variant is not likely to affect RNA splicing. In summary, the available evidence is currently insufficient to determine the role of this variant in disease. Therefore, it has been classified as a Variant of Uncertain Significance.

Literature cited by the submitters: PubMed 17576681; PubMed 9536098.